The following is an entry in ClinVar:

NM_153026.3(PRICKLE1):c.604G>A (p.Glu202Lys)

Gene: PRICKLE1 (prickle planar cell polarity protein 1; minus strand). Cytogenetic location: 12q12.
Variant type: single nucleotide variant.
Coding change: c.604G>A on transcript NM_153026.3 (MANE Select); coding-DNA position 604, G replaced by A.
Protein change: p.Glu202Lys; replaces glutamic acid 202 with lysine.
Molecular consequence: missense variant.
Genome position (GRCh38, 1-based): chr12:42,466,365, C>T on the plus strand (G>A on the coding strand, the complement: PRICKLE1 is on the minus strand). VCF-style: chr12-42466365-C-T. GRCh37 (hg19) VCF-style: chr12-42860167-C-T.
Other names: c.604G>A, p.Glu202Lys (NM_001144881.2, NM_001144882.2, NM_001144883.2); short protein forms E202K.
Identifiers: ClinVar variation 1367436 (VCV001367436.6), dbSNP rs1486749442, ClinGen allele CA384443598.

ClinVar aggregate classification (germline): Uncertain significance (1 of 4 stars; one submission).

Conditions:
Epilepsy, progressive myoclonic, 1B. Also called: PME. Identifiers: Orphanet 308, MedGen C2676254, MONDO:0012904, OMIM 612437.

Allele frequency attached by ClinVar (database versions not stated): gnomAD exomes below 0.00001; TOPMed below 0.00001; gnomAD 0.00001.

Submission:

Labcorp Genetics (formerly Invitae), Labcorp
Classification: Uncertain significance for Epilepsy, progressive myoclonic, 1B. Last evaluated: 2021-11-04. Review status: criteria provided, single submitter. Criteria: Invitae Variant Classification Sherloc (09022015). Collection method: clinical testing. Allele origin: germline.
Comment: In summary, the available evidence is currently insufficient to determine the role of this variant in disease. Therefore, it has been classified as a Variant of Uncertain Significance. Algorithms developed to predict the effect of missense changes on protein structure and function (SIFT, PolyPhen-2, Align-GVGD) all suggest that this variant is likely to be disruptive. This variant has not been reported in the literature in individuals affected with PRICKLE1-related conditions. This variant is present in population databases (no rsID available, gnomAD 0.007%). This sequence change replaces glutamic acid, which is acidic and polar, with lysine, which is basic and polar, at codon 202 of the PRICKLE1 protein (p.Glu202Lys).